The following is an entry in ClinVar:

ClinVar aggregate classification (germline): Uncertain significance (1 of 4 stars; one submission).

Conditions:
Fanconi anemia (FA). Also called: Fanconi's anemia. Identifiers: Orphanet 84, MedGen C0015625, MeSH D005199, MONDO:0019391.

Submission:

Labcorp Genetics (formerly Invitae), Labcorp
Classification: Uncertain significance for Fanconi anemia. Last evaluated: 2022-10-25. Review status: criteria provided, single submitter. Criteria: Invitae Variant Classification Sherloc (09022015). Collection method: clinical testing. Allele origin: germline.
Comment: This sequence change replaces leucine, which is neutral and non-polar, with serine, which is neutral and polar, at codon 211 of the FANCM protein (p.Leu211Ser). In summary, the available evidence is currently insufficient to determine the role of this variant in disease. Therefore, it has been classified as a Variant of Uncertain Significance. Algorithms developed to predict the effect of missense changes on protein structure and function are either unavailable or do not agree on the potential impact of this missense change (SIFT: "Deleterious"; PolyPhen-2: "Probably Damaging"; Align-GVGD: "Class C0"). ClinVar contains an entry for this variant (Variation ID: 1473585). This variant has not been reported in the literature in individuals affected with FANCM-related conditions. This variant is not present in population databases (gnomAD no frequency).

NM_020937.4(FANCM):c.632T>C (p.Leu211Ser)

Gene: FANCM (FA complementation group M; plus strand). Cytogenetic location: 14q21.2.
Variant type: single nucleotide variant.
Coding change: c.632T>C on transcript NM_020937.4 (MANE Select); coding-DNA position 632, T replaced by C.
Protein change: p.Leu211Ser; replaces leucine 211 with serine.
Molecular consequence: missense variant.
Genome position (GRCh38, 1-based): chr14:45,137,192, T>C. VCF-style: chr14-45137192-T-C. GRCh37 (hg19) VCF-style: chr14-45606395-T-C.
Other names: c.632T>C, p.Leu211Ser (NM_001308133.2, NM_001308134.2); short protein forms L211S.
Identifiers: ClinVar variation 1473585 (VCV001473585.8), dbSNP rs2139107015, ClinGen allele CA389588871.
Genomic context (GRCh38, chr14:45,137,192, plus strand): 5'-CTCAGGTCATGGTAAATGACCTTTCTAGAGGAGCTTGTCCCGCTGCTGAAATAAAGTGTT[T>C]AGTTATTGATGAAGCTCATAAAGCTCTCGGAAACTATGCTTATTGCCAGGTAATAATTTT-3'
Protein context (NP_065988.1, residues 201-221): GACPAAEIKC[Leu211Ser]VIDEAHKALG